The following is an entry in ClinVar:

ClinVar aggregate classification (germline): Conflicting classifications of pathogenicity. Review status: criteria provided, conflicting classifications (1 of 4 stars). 5 submissions from 5 submitters: Uncertain significance (1); Likely benign (4). Last evaluated 2026-07-01.

Allele frequency attached by ClinVar (database versions not stated): 1000 Genomes Project 30x 0.00016; 1000 Genomes Project 0.00020; gnomAD exomes 0.00035 and 0.00046; ExAC 0.00045; TOPMed 0.00047; gnomAD 0.00052 and 0.00055; ESP Exome Variant Server 0.00062.

Submissions (5):

CeGaT Center for Human Genetics Tuebingen
Classification: Likely benign. Last evaluated: 2026-07-01. Review status: criteria provided, single submitter. Criteria: CeGaT Center For Human Genetics Tuebingen Variant Classification Criteria Version 2. Collection method: clinical testing. Allele origin: germline. Affected: yes. Observed: 9 variant alleles.
Comment: TUBGCP6: BP4, BP7

Labcorp Genetics (formerly Invitae), Labcorp
Classification: Likely benign. Last evaluated: 2026-01-09. Review status: criteria provided, single submitter. Criteria: Invitae Variant Classification Sherloc (09022015). Collection method: clinical testing. Allele origin: germline.

Blueprint Genetics
Classification: Likely benign. Last evaluated: 2024-11-19. Review status: criteria provided, single submitter. Criteria: ACMG Guidelines, 2015. Collection method: clinical testing. Allele origin: germline.

GeneDx
Classification: Likely benign. Last evaluated: 2019-05-29. Review status: criteria provided, single submitter. Criteria: GeneDx Variant Classification Process June 2021. Collection method: clinical testing. Allele origin: germline. Affected: yes.

Genetic Services Laboratory, University of Chicago
Classification: Uncertain significance. Last evaluated: 2015-02-12. Review status: criteria provided, single submitter. Criteria: ACMG Guidelines, 2015. Collection method: clinical testing. Allele origin: germline.

NM_020461.4(TUBGCP6):c.1026G>A (p.Pro342=)

Gene: TUBGCP6 (tubulin gamma complex component 6; minus strand). Cytogenetic location: 22q13.33.
Variant type: single nucleotide variant.
Coding change: c.1026G>A on transcript NM_020461.4 (MANE Select); coding-DNA position 1026, G replaced by A.
Protein change: p.Pro342=; no amino-acid change (proline 342 retained).
Molecular consequence: synonymous variant.
Genome position (GRCh38, 1-based): chr22:50,233,406, C>T on the plus strand (G>A on the coding strand, the complement: TUBGCP6 is on the minus strand). VCF-style: chr22-50233406-C-T. GRCh37 (hg19) VCF-style: chr22-50671835-C-T.
Identifiers: ClinVar variation 212503 (VCV000212503.52), dbSNP rs141805017, ClinGen allele CA207804.